The following is an entry in ClinVar:

ClinVar aggregate classification (germline): Likely pathogenic (1 of 4 stars; one submission).

Submission:

Labcorp Genetics (formerly Invitae), Labcorp
Classification: Likely pathogenic. Last evaluated: 2025-07-27. Review status: criteria provided, single submitter. Criteria: Invitae Variant Classification Sherloc (09022015). Collection method: clinical testing. Allele origin: germline.
Comment: This sequence change affects an acceptor splice site in intron 2 of the TBX20 gene. It is expected to disrupt RNA splicing. Variants that disrupt the donor or acceptor splice site typically lead to a loss of protein function (PMID: 16199547), and loss-of-function variants in TBX20 are known to be pathogenic (PMID: 15901664, 25625280, 26118961, 27510170). This variant is not present in population databases (gnomAD no frequency). This variant has not been reported in the literature in individuals affected with TBX20-related conditions. Algorithms developed to predict the effect of sequence changes on RNA splicing suggest that this variant may disrupt the consensus splice site. In summary, the currently available evidence indicates that the variant is pathogenic, but additional data are needed to prove that conclusively. Therefore, this variant has been classified as Likely Pathogenic.

Literature cited by the submitters: PubMed 16199547; PubMed 15901664; PubMed 25625280; PubMed 26118961; PubMed 27510170.

NM_001077653.2(TBX20):c.381-1G>A

Gene: TBX20 (T-box transcription factor 20; minus strand). Cytogenetic location: 7p14.2.
Variant type: single nucleotide variant.
Coding change: c.381-1G>A on transcript NM_001077653.2 (MANE Select); the canonical splice acceptor site of the intron before coding-DNA position 381, G replaced by A.
Molecular consequence: splice acceptor variant.
Genome position (GRCh38, 1-based): chr7:35,248,842, C>T on the plus strand (G>A on the coding strand, the complement: TBX20 is on the minus strand). VCF-style: chr7-35248842-C-T. GRCh37 (hg19) VCF-style: chr7-35288454-C-T.
Other names: c.381-1G>A (NM_001166220.1).
Identifiers: ClinVar variation 4723810 (VCV004723810.1).